The following is an entry in ClinVar:

ClinVar aggregate classification (germline): Likely benign. Review status: criteria provided, multiple submitters, no conflicts (2 of 4 stars). 2 submissions from 2 submitters: Likely benign (2). Last evaluated 2023-07-24.

Allele frequency attached by ClinVar (database versions not stated): gnomAD exomes 0.00009; TOPMed 0.00012; gnomAD 0.00013; ExAC 0.00017; ESP Exome Variant Server 0.00019; 1000 Genomes Project 0.00026; 1000 Genomes Project 30x 0.00042.
gnomAD v4.1: 111 of 1,209,653 alleles (0.0092%); highest among the groups gnomAD compares: Middle Eastern, 0.023%; no homozygotes.

Submissions (2):

Blueprint Genetics
Classification: Likely benign. Last evaluated: 2023-07-24. Review status: criteria provided, single submitter. Criteria: ACMG Guidelines, 2015. Collection method: clinical testing. Allele origin: germline.

CeGaT Center for Human Genetics Tuebingen
Classification: Likely benign. Last evaluated: 2023-01-01. Review status: criteria provided, single submitter. Criteria: CeGaT Center For Human Genetics Tuebingen Variant Classification Criteria Version 2. Collection method: clinical testing. Allele origin: germline. Affected: yes. Observed: 1 variant allele.
Comment: EFNB1: BP4, BS2

NM_004429.5(EFNB1):c.461G>A (p.Arg154His)

Gene: EFNB1 (ephrin B1; plus strand). Cytogenetic location: Xq13.1.
Variant type: single nucleotide variant.
Coding change: c.461G>A on transcript NM_004429.5 (MANE Select); coding-DNA position 461, G replaced by A.
Protein change: p.Arg154His; replaces arginine 154 with histidine.
Molecular consequence: missense variant.
Genome position (GRCh38, 1-based): chrX:68,839,718, G>A. VCF-style: chrX-68839718-G-A. GRCh37 (hg19) VCF-style: chrX-68059561-G-A.
Other names: short protein forms R154H.
Identifiers: ClinVar variation 2660793 (VCV002660793.25), dbSNP rs146636295, ClinGen allele CA10438156.
Genomic context (GRCh38, chrX:68,839,718, plus strand): 5'-CTGCAGCAACATCCAATGGAAGCCTGGAGGGGCTGGAAAACCGGGAGGGCGGTGTGTGCC[G>A]CACACGCACCATGAAGATCATCATGAAGGTTGGGCAAGGTGAGTGCCTAGTCTGAGGGTC-3'
Protein context (NP_004420.1, residues 144-164): GLENREGGVC[Arg154His]TRTMKIIMKV